The following is an entry in ClinVar:

NM_001323289.2(CDKL5):c.2069A>G (p.His690Arg)

Gene: CDKL5 (cyclin dependent kinase like 5; plus strand). Cytogenetic location: Xp22.13.
Variant type: single nucleotide variant.
Coding change: c.2069A>G on transcript NM_001323289.2 (MANE Select); coding-DNA position 2069, A replaced by G.
Protein change: p.His690Arg; replaces histidine 690 with arginine.
Molecular consequence: missense variant.
Genome position (GRCh38, 1-based): chrX:18,609,487, A>G. VCF-style: chrX-18609487-A-G. GRCh37 (hg19) VCF-style: chrX-18627607-A-G.
Other names: c.2069A>G, p.His690Arg (NM_001037343.2, NM_003159.3); short protein forms H690R.
Identifiers: ClinVar variation 418116 (VCV000418116.5), dbSNP rs945311782, ClinGen allele CA16621282.

ClinVar aggregate classification (germline): Uncertain significance. Review status: criteria provided, multiple submitters, no conflicts (2 of 4 stars). 2 submissions from 2 submitters: Uncertain significance (2). Last evaluated 2025-04-08.

Conditions:
Developmental and epileptic encephalopathy, 2 (DEE2). Also called: INFANTILE SPASM SYNDROME, X-LINKED 2; CDKL5 deficiency disorder. Identifiers: Orphanet 1934, Orphanet 3451, Orphanet 505652, MedGen C4750718, MONDO:0010396, OMIM 300672.
Angelman syndrome-like. Identifiers: MedGen CN128785.

Allele frequency attached by ClinVar (database versions not stated): gnomAD exomes below 0.00001; gnomAD 0.00001; TOPMed 0.00001.
gnomAD v4.1: 3 of 1,209,613 alleles (0.00025%); highest among the groups gnomAD compares: African/African-American, 0.0053%; no homozygotes.

Submissions (2):

Labcorp Genetics (formerly Invitae), Labcorp
Classification: Uncertain significance for Developmental and epileptic encephalopathy, 2; Angelman syndrome-like. Last evaluated: 2025-04-08. Review status: criteria provided, single submitter. Criteria: Invitae Variant Classification Sherloc (09022015). Collection method: clinical testing. Allele origin: germline.
Comment: This sequence change replaces histidine, which is basic and polar, with arginine, which is basic and polar, at codon 690 of the CDKL5 protein (p.His690Arg). This variant is not present in population databases (gnomAD no frequency). This variant has not been reported in the literature in individuals affected with CDKL5-related conditions. ClinVar contains an entry for this variant (Variation ID: 418116). Invitae Evidence Modeling of protein sequence and biophysical properties (such as structural, functional, and spatial information, amino acid conservation, physicochemical variation, residue mobility, and thermodynamic stability) has been performed for this missense variant. However, the output from this modeling did not meet the statistical confidence thresholds required to predict the impact of this variant on CDKL5 protein function. In summary, the available evidence is currently insufficient to determine the role of this variant in disease. Therefore, it has been classified as a Variant of Uncertain Significance.

GeneDx
Classification: Uncertain significance. Last evaluated: 2023-09-28. Review status: criteria provided, single submitter. Criteria: GeneDx Variant Classification Process June 2021. Collection method: clinical testing. Allele origin: germline. Affected: yes.
Comment: Not observed at significant frequency in large population cohorts (gnomAD); In silico analysis supports that this missense variant does not alter protein structure/function; Has not been previously published as pathogenic or benign to our knowledge